The following is an entry in ClinVar:

NM_000203.5(IDUA):c.299+1627G>A

Genes: IDUA (alpha-L-iduronidase; plus strand), SLC26A1 (solute carrier family 26 member 1; minus strand). Cytogenetic location: 4p16.3.
Variant type: single nucleotide variant.
Coding change: c.299+1627G>A on transcript NM_000203.5 (MANE Select); 1627 bases into the intron after coding-DNA position 299, G replaced by A.
Molecular consequence: intron variant. On other transcripts: missense variant (2).
Genome position (GRCh38, 1-based): chr4:989,576, G>A. VCF-style: chr4-989576-G-A. GRCh37 (hg19) VCF-style: chr4-983364-G-A.
Other names: c.1363C>T, p.Arg455Cys (NM_022042.4, NM_213613.4); c.576+1552C>T (NM_134425.4); short protein forms R455C.
Identifiers: ClinVar variation 64578 (VCV000064578.5), dbSNP rs387907483, ClinGen allele CA216439.

ClinVar aggregate classification (germline): Uncertain significance. Review status: criteria provided, single submitter (1 of 4 stars). 3 submissions from 3 submitters: Uncertain significance (1). 2 of the submissions do not count toward it. Last evaluated 2024-02-07.

Conditions:
Nephrolithiasis susceptibility caused by SLC26A1 (CAON1). Also called: NEPHROLITHIASIS, CALCIUM OXALATE, 1. Identifiers: MedGen C5779632, MONDO:0020722, OMIM 167030.
Hypersulfaturia (HYSULF). Identifiers: MedGen C5830511, MONDO:0957268, OMIM 620372.
Hurler syndrome. Also called: MUCOPOLYSACCHARIDOSIS TYPE IH; Gargoylism, Hurler Syndrome; Severe MPS I (Hurler Syndrome). Identifiers: Orphanet 93473, MedGen C0086795, MONDO:0011758, OMIM 607014.

Allele frequency attached by ClinVar (database versions not stated): TOPMed 0.00002; ExAC 0.00006; gnomAD 0.00003.
gnomAD v4.1: 39 of 1,594,768 alleles (0.0024%); highest among the groups gnomAD compares: African/African-American, 0.0067%; no homozygotes.

Submissions (3):

Fulgent Genetics
Classification: Uncertain significance for Nephrolithiasis susceptibility caused by SLC26A1; Hypersulfaturia. Last evaluated: 2024-02-07. Review status: criteria provided, single submitter. Criteria: ACMG Guidelines, 2015. Collection method: clinical testing. Allele origin: germline.

Counsyl
Classification: Likely benign for Hurler syndrome. Last evaluated: 2017-09-26. Review status: no assertion criteria provided. Collection method: clinical testing. Allele origin: unknown. Not counted in ClinVar's aggregate classification.

Martin Pollak Laboratory,  Beth Israel Deaconess Medical Center
Classification: Uncertain significance. Review status: no assertion criteria provided. Collection method: not provided. Allele origin: unknown. Not counted in ClinVar's aggregate classification.
Comment: Higher UCa2+ group
ClinVar note: Converted during submission from unknown to Uncertain significance.